The following is an entry in ClinVar:

ClinVar aggregate classification (germline): Likely benign. Review status: criteria provided, multiple submitters, no conflicts (2 of 4 stars). 2 submissions from 2 submitters: Likely benign (2). Last evaluated 2024-12-16.

Conditions:
Early-infantile DEE. Also called: Early infantile epileptic encephalopathy with suppression bursts; Ohtahara syndrome; Early infantile epileptic encephalopathy. Identifiers: Orphanet 1934, MedGen C0393706, MONDO:0800491.

Allele frequency attached by ClinVar (database versions not stated): gnomAD exomes below 0.00001; gnomAD 0.00001.
gnomAD v4.1: 9 of 1,559,770 alleles (0.00058%); highest among the groups gnomAD compares: East Asian, 0.0071%; no homozygotes.

Submissions (2):

Labcorp Genetics (formerly Invitae), Labcorp
Classification: Likely benign for Early-infantile DEE. Last evaluated: 2024-12-16. Review status: criteria provided, single submitter. Criteria: Invitae Variant Classification Sherloc (09022015). Collection method: clinical testing. Allele origin: germline.

GeneDx
Classification: Likely benign. Last evaluated: 2017-04-05. Review status: criteria provided, single submitter. Criteria: GeneDx Variant Classification (06012015). Collection method: clinical testing. Allele origin: germline. Affected: yes.
Comment: This variant is considered likely benign or benign based on one or more of the following criteria: it is a conservative change, it occurs at a poorly conserved position in the protein, it is predicted to be benign by multiple in silico algorithms, and/or has population frequency not consistent with disease.

NM_001191061.2(SLC25A22):c.462G>T (p.Gly154=)

Gene: SLC25A22 (solute carrier family 25 member 22; minus strand). Cytogenetic location: 11p15.5.
Variant type: single nucleotide variant.
Coding change: c.462G>T on transcript NM_001191061.2 (MANE Select); coding-DNA position 462, G replaced by T.
Protein change: p.Gly154=; no amino-acid change (glycine 154 retained).
Molecular consequence: synonymous variant.
Genome position (GRCh38, 1-based): chr11:792,678, C>A on the plus strand (G>T on the coding strand, the complement: SLC25A22 is on the minus strand). VCF-style: chr11-792678-C-A. GRCh37 (hg19) VCF-style: chr11-792678-C-A.
Other names: c.462G>T, p.Gly154= (NM_001191060.2, NM_024698.6).
Identifiers: ClinVar variation 508815 (VCV000508815.9), dbSNP rs955053926, ClinGen allele CA216993688.
Genomic context (GRCh38, chr11:792,678, plus strand): 5'-GGTCAGCTGGGTGGCCGTGGGCCGAGGGGCAGCTGGAGCCTCCACTGAGGGCTGGGCACC[C>A]CCCTGGGCCGAGAGCTGGCCCTGGGCAGCCAGGATCTTCCTCTGGGCGGCTGGGGACAAA-3'
Protein context (NP_001177990.1, residues 144-164): LAAQGQLSAQ[Gly154=]GAQPSVEAPA